The following is an entry in ClinVar:

NM_198428.3(BBS9):c.728A>G (p.Glu243Gly)

Gene: BBS9 (Bardet-Biedl syndrome 9; plus strand). Cytogenetic location: 7p14.3.
Variant type: single nucleotide variant.
Coding change: c.728A>G on transcript NM_198428.3 (MANE Select); coding-DNA position 728, A replaced by G.
Protein change: p.Glu243Gly; replaces glutamic acid 243 with glycine.
Molecular consequence: missense variant. On other transcripts: non-coding transcript variant (3).
Genome position (GRCh38, 1-based): chr7:33,273,037, A>G. VCF-style: chr7-33273037-A-G. GRCh37 (hg19) VCF-style: chr7-33312649-A-G.
Other names: c.728A>G (NM_198428.2); c.728A>G, p.Glu243Gly (NM_001033604.2, NM_001033605.2, NM_001348036.1 and 5 more transcripts); c.362A>G, p.Glu121Gly (NM_001348037.3, NM_001348044.3, NM_001348045.3 and 1 more transcripts); c.455A>G, p.Glu152Gly (NM_001348038.3, NM_001348039.3); c.593A>G, p.Glu198Gly (NM_001348042.3); short protein forms E198G, E121G, E152G, E243G.
Identifiers: ClinVar variation 4895647 (VCV004895647.2).

ClinVar aggregate classification (germline): Conflicting classifications of pathogenicity. Review status: criteria provided, conflicting classifications (1 of 4 stars). 2 submissions from 2 submitters: Pathogenic (1); Uncertain significance (1). Last evaluated 2025-04-29.

Conditions:
BBS9-related disorder. Also called: BBS9-related condition.

gnomAD v4.1: 106 of 1,613,588 alleles (0.0066%); highest among the groups gnomAD compares: Middle Eastern, 0.016%; 1 homozygote.

Submissions (2):

PreventionGenetics, part of Exact Sciences
Classification: Uncertain significance for BBS9-related condition. Last evaluated: 2025-04-29. Review status: criteria provided, single submitter. Criteria: ACMG Guidelines, 2015. Collection method: clinical testing. Allele origin: germline.
Comment: The BBS9 c.728A>G variant is predicted to result in the amino acid substitution p.Glu243Gly. To our knowledge, this variant has not been reported in the literature. This variant is reported in 0.092% of alleles in individuals of European (Finnish) descent in gnomAD. Although we suspect that this variant may be benign, at this time, the clinical significance of this variant is uncertain due to the absence of conclusive functional and genetic evidence.

Blueprint Genetics
Classification: Pathogenic for BBS9-related disorders. Last evaluated: 2024-09-30. Review status: criteria provided, single submitter. Criteria: ACMG Guidelines, 2015. Collection method: clinical testing. Allele origin: germline. Affected: yes. Observed: 5 variant alleles.